The following is an entry in ClinVar:

NM_031308.4(EPPK1):c.1131T>C (p.Leu377=)

Gene: EPPK1 (epiplakin 1; minus strand). Cytogenetic location: 8q24.3.
Variant type: single nucleotide variant.
Coding change: c.1131T>C on transcript NM_031308.4 (MANE Select); coding-DNA position 1131, T replaced by C.
Protein change: p.Leu377=; no amino-acid change (leucine 377 retained).
Molecular consequence: synonymous variant.
Genome position (GRCh38, 1-based): chr8:143,872,123, A>G on the plus strand (T>C on the coding strand, the complement: EPPK1 is on the minus strand). VCF-style: chr8-143872123-A-G. GRCh37 (hg19) VCF-style: chr8-144946291-A-G.
Identifiers: ClinVar variation 3031768 (VCV003031768.2), dbSNP rs782062679, ClinGen allele CA4923443.
Genomic context (GRCh38, chr8:143,872,123, plus strand): 5'-GGCATCCAAGAGCCGCAGTGCCAGTGGCCTGTCCACTAGCCCCTTCTTCATGGCCTGGAA[A>G]AGGGGGATTTGGGAGCCACTGAAGGGGTCGTGGTGCCCTGTCACGGCCTGCTCGGCCACC-3'
Protein context (NP_112598.3, residues 367-387): HDPFSGSQIP[Leu377=]FQAMKKGLVD

ClinVar aggregate classification (germline): Likely benign (0 of 4 stars; one submission).

Conditions:
EPPK1-related disorder. Also called: EPPK1-related condition.

Allele frequency attached by ClinVar (database versions not stated): TOPMed 0.00002; gnomAD exomes 0.00003.

Submission:

PreventionGenetics, part of Exact Sciences
Classification: Likely benign for EPPK1-related condition. Last evaluated: 2022-09-28. Review status: no assertion criteria provided. Collection method: clinical testing. Allele origin: germline.
Comment: This variant is classified as likely benign based on ACMG/AMP sequence variant interpretation guidelines (Richards et al. 2015 PMID: 25741868, with internal and published modifications).